The following is an entry in ClinVar:

NM_001267550.2(TTN):c.30426C>T (p.Asp10142=)

Gene: TTN (titin; minus strand). Cytogenetic location: 2q31.2.
Variant type: single nucleotide variant.
Coding change: c.30426C>T on transcript NM_001267550.2 (MANE Select); coding-DNA position 30426, C replaced by T.
Protein change: p.Asp10142=; no amino-acid change (aspartic acid 10142 retained).
Molecular consequence: synonymous variant. On other transcripts: intron variant (3).
Genome position (GRCh38, 1-based): chr2:178,702,461, G>A on the plus strand (C>T on the coding strand, the complement: TTN is on the minus strand). VCF-style: chr2-178702461-G-A. GRCh37 (hg19) VCF-style: chr2-179567188-G-A.
Other names: p.D9825D:GAC>GAT; p.Asp9825=; c.29475C>T, p.Asp9825= (NM_001256850.1); c.26694C>T, p.Asp8898= (NM_133378.4); c.13282+35621C>T (NM_003319.4); c.13858+35621C>T (NM_133437.4); c.13657+35621C>T (NM_133432.3).
Identifiers: ClinVar variation 46834 (VCV000046834.53), dbSNP rs147524531, ClinGen allele CA283077.
Genomic context (GRCh38, chr2:178,702,461, plus strand): 5'-AAACAGACGAGGCTTAAATTATACATTCACTGGAAAACTGTCAATGAAATCACCTTCATC[G>A]TCTGGGGTCACATTGTGGATGGTCATATAATGGCAGCGGCCATCATTCCTGAAGTTGTAT-3'
Protein context (NP_001254479.2, residues 10132-10152): HYMTIHNVTP[Asp10142=]DEGVYSVIAR

ClinVar aggregate classification (germline): Benign/Likely benign. Review status: criteria provided, multiple submitters, no conflicts (2 of 4 stars). 26 submissions from 19 submitters: Benign (16); Likely benign (6). 4 of the submissions do not count toward it. Last evaluated 2026-04-01.

Conditions:
TTN-related disorder. Also called: TTN-related disorders; TTN-related condition; TTN-related disease.
Dilated cardiomyopathy 1G (CMD1G). Identifiers: Orphanet 154, MedGen C1858763, MONDO:0011400, OMIM 604145.
Autosomal recessive limb-girdle muscular dystrophy type 2J (LGMDR10). Also called: MUSCULAR DYSTROPHY, LIMB-GIRDLE, AUTOSOMAL RECESSIVE 10; Limb-girdle muscular dystrophy, type 2J. Identifiers: Orphanet 140922, MedGen C1837342, MONDO:0012127, OMIM 608807.
Cardiomyopathy (CMYO). Also called: Cardiomyopathies. Identifiers: Orphanet 167848, MedGen C0878544, MONDO:0004994, HP:0001638. Inheritance: Various modes of inheritance.
Early-onset myopathy with fatal cardiomyopathy (CMYO5). Also called: CONGENITAL MYOPATHY 5 WITH CARDIOMYOPATHY; Salih Myopathy. Identifiers: Orphanet 289377, MedGen C2673677, MONDO:0012714, OMIM 611705. Disease mechanism: loss of function.
Myopathy, myofibrillar, 9, with early respiratory failure (MFM9). Also called: Myopathy, distal, with early respiratory failure, autosomal dominant; Hereditary myopathy with early respiratory failure; MYOPATHY, PROXIMAL, WITH EARLY RESPIRATORY MUSCLE INVOLVEMENT; EDSTROM MYOPATHY. Identifiers: Orphanet 178464, Orphanet 34521, MedGen C1863599, MONDO:0011362, OMIM 603689.
Tibial muscular dystrophy (TMD). Also called: Udd Distal Myopathy – Tibial Muscular Dystrophy; Tibial muscular dystrophy, tardive; UDD MYOPATHY. Identifiers: Orphanet 609, MedGen C1838244, MONDO:0010870, OMIM 600334.

Allele frequency attached by ClinVar (database versions not stated): gnomAD 0.00283 and 0.00301; ESP Exome Variant Server 0.00306; TOPMed 0.00303; gnomAD exomes 0.00026 and 0.00079; ExAC 0.00105; 1000 Genomes Project 0.00240; 1000 Genomes Project 30x 0.00297.
gnomAD v4.1: 841 of 1,613,740 alleles (0.052%); highest among the groups gnomAD compares: African/African-American, 0.97%; 6 homozygotes.

Submissions 1 to 17 of 26:

CeGaT Center for Human Genetics Tuebingen
Classification: Likely benign. Last evaluated: 2026-04-01. Review status: criteria provided, single submitter. Criteria: CeGaT Center For Human Genetics Tuebingen Variant Classification Criteria Version 2. Collection method: clinical testing. Allele origin: germline. Affected: yes. Observed: 5 variant alleles.
Comment: TTN: BP4, BP7

Labcorp Genetics (formerly Invitae), Labcorp
Classification: Benign for Dilated cardiomyopathy 1G; Autosomal recessive limb-girdle muscular dystrophy type 2J. Last evaluated: 2026-02-04. Review status: criteria provided, single submitter. Criteria: Invitae Variant Classification Sherloc (09022015). Collection method: clinical testing. Allele origin: germline.

ARUP Laboratories, Molecular Genetics and Genomics, ARUP Laboratories
Classification: Benign. Last evaluated: 2025-07-01. Review status: criteria provided, single submitter. Criteria: ARUP Molecular Germline Variant Investigation Process 2024. Collection method: clinical testing. Allele origin: germline.

Molecular Diagnostic Laboratory for Inherited Cardiovascular Disease, Montreal Heart Institute
Classification: Benign. Last evaluated: 2025-04-09. Review status: criteria provided, single submitter. Criteria: ACMG Guidelines, 2015. Collection method: clinical testing. Allele origin: germline. Affected: no.

Blueprint Genetics
Classification: Likely benign. Last evaluated: 2024-11-14. Review status: criteria provided, single submitter. Criteria: ACMG Guidelines, 2015. Collection method: clinical testing. Allele origin: germline.

Genome-Nilou Lab
Classification: Benign for Autosomal recessive limb-girdle muscular dystrophy type 2J. Last evaluated: 2021-09-10. Review status: criteria provided, single submitter. Criteria: ACMG Guidelines, 2015. Collection method: clinical testing. Allele origin: germline. Affected: no.

Genome-Nilou Lab
Classification: Benign for Myopathy, myofibrillar, 9, with early respiratory failure. Last evaluated: 2021-09-10. Review status: criteria provided, single submitter. Criteria: ACMG Guidelines, 2015. Collection method: clinical testing. Allele origin: germline. Affected: no.

Genome-Nilou Lab
Classification: Benign for Early-onset myopathy with fatal cardiomyopathy. Last evaluated: 2021-09-10. Review status: criteria provided, single submitter. Criteria: ACMG Guidelines, 2015. Collection method: clinical testing. Allele origin: germline. Affected: no.

Genome-Nilou Lab
Classification: Benign for Tibial muscular dystrophy. Last evaluated: 2021-09-10. Review status: criteria provided, single submitter. Criteria: ACMG Guidelines, 2015. Collection method: clinical testing. Allele origin: germline. Affected: no.

Women's Health and Genetics/Laboratory Corporation of America, LabCorp
Classification: Benign. Last evaluated: 2019-11-06. Review status: criteria provided, single submitter. Criteria: LabCorp Variant Classification Summary - May 2015. Collection method: clinical testing. Allele origin: germline.
Comment: Variant summary: TTN c.26694C>T alters a non-conserved nucleotide resulting in a synonymous change. 5/5 computational tools predict no significant impact on normal splicing. However, these predictions have yet to be confirmed by functional studies. The variant allele was found at a frequency of 0.00098 in 280568 control chromosomes, predominantly at a frequency of 0.01 within the African or African-American subpopulation in the gnomAD database, including 3 homozygotes. The observed variant frequency within African or African-American control individuals in the gnomAD database is approximately 16 fold of the estimated maximal expected allele frequency for a pathogenic variant in TTN causing Cardiomyopathy phenotype (0.00063), strongly suggesting that the variant is a benign polymorphism found primarily in populations of African or African-American origin. To our knowledge, no occurrence of c.26694C>T in individuals affected with Cardiomyopathy and no experimental evidence demonstrating its impact on protein function have been reported. Co-occurrence with another pathogenic variant has been internally reported (TTR c.424G>A, p.Val142Ile; internal sample), providing supporting evidence for a benign role. Three ClinVar submitters (evaluation after 2014) cite the variant as benign. Based on the evidence outlined above, the variant was classified as benign.

Illumina Laboratory Services, Illumina
Classification: Benign for Tibial muscular dystrophy. Last evaluated: 2018-01-13. Review status: criteria provided, single submitter. Criteria: ICSL Variant Classification Criteria 13 December 2019. Collection method: clinical testing. Allele origin: germline.
Comment: This variant was observed in the ICSL laboratory as part of a predisposition screen in an ostensibly healthy population. It had not been previously curated by ICSL or reported in the Human Gene Mutation Database (HGMD: prior to June 1st, 2018), and was therefore a candidate for classification through an automated scoring system. Utilizing variant allele frequency, disease prevalence and penetrance estimates, and inheritance mode, an automated score was calculated to assess if this variant is too frequent to cause the disease. Based on the score and internal cut-off values, a variant classified as benign is not then subjected to further curation. The score for this variant resulted in a classification of benign for this disease.

Illumina Laboratory Services, Illumina
Classification: Likely benign for Dilated cardiomyopathy 1G. Last evaluated: 2018-01-13. Review status: criteria provided, single submitter. Criteria: ICSL Variant Classification Criteria 13 December 2019. Collection method: clinical testing. Allele origin: germline.
Comment: This variant was observed in the ICSL laboratory as part of a predisposition screen in an ostensibly healthy population. It had not been previously curated by ICSL or reported in the Human Gene Mutation Database (HGMD: prior to June 1st, 2018), and was therefore a candidate for classification through an automated scoring system. Utilizing variant allele frequency, disease prevalence and penetrance estimates, and inheritance mode, an automated score was calculated to assess if this variant is too frequent to cause the disease. Based on the score and internal cut-off values, a variant classified as likely benign is not then subjected to further curation. The score for this variant resulted in a classification of likely benign for this disease.

Illumina Laboratory Services, Illumina
Classification: Likely benign for Autosomal recessive limb-girdle muscular dystrophy type 2J. Last evaluated: 2018-01-13. Review status: criteria provided, single submitter. Criteria: ICSL Variant Classification Criteria 13 December 2019. Collection method: clinical testing. Allele origin: germline.
Comment: the same text as in the submission from Illumina Laboratory Services, Illumina above.

Illumina Laboratory Services, Illumina
Classification: Benign for Myopathy, myofibrillar, 9, with early respiratory failure. Last evaluated: 2018-01-13. Review status: criteria provided, single submitter. Criteria: ICSL Variant Classification Criteria 13 December 2019. Collection method: clinical testing. Allele origin: germline.
Comment: the same text as in the submission from Illumina Laboratory Services, Illumina above.

Illumina Laboratory Services, Illumina
Classification: Likely benign for Early-onset myopathy with fatal cardiomyopathy. Last evaluated: 2018-01-13. Review status: criteria provided, single submitter. Criteria: ICSL Variant Classification Criteria 13 December 2019. Collection method: clinical testing. Allele origin: germline.
Comment: the same text as in the submission from Illumina Laboratory Services, Illumina above.

Mayo Clinic Laboratories, Mayo Clinic
Classification: Benign. Last evaluated: 2017-07-18. Review status: criteria provided, single submitter. Criteria: ACMG Guidelines, 2015. Collection method: clinical testing. Allele origin: germline. Observed: 4 variant alleles.

CHEO Genetics Diagnostic Laboratory, Children's Hospital of Eastern Ontario
Classification: Benign for Cardiomyopathy. Last evaluated: 2016-11-09. Review status: criteria provided, single submitter. Criteria: ACMG Guidelines, 2015. Collection method: clinical testing. Allele origin: germline. Study: Canadian Open Genetics Repository.